The following is an entry in ClinVar:

ClinVar aggregate classification (germline): Uncertain significance. Review status: criteria provided, multiple submitters, no conflicts (2 of 4 stars). 2 submissions from 2 submitters: Uncertain significance (2). Last evaluated 2024-01-04.

Conditions:
Intellectual developmental disorder, autosomal recessive 3. Also called: Intellectual disability, autosomal recessive 3. Identifiers: Orphanet 88616, MedGen C1838023, MONDO:0012037, OMIM 608443.
Inborn genetic diseases. Identifiers: MedGen C0950123, MeSH D030342.

Allele frequency attached by ClinVar (database versions not stated): gnomAD 0.00003 and 0.00004; ESP Exome Variant Server 0.00008; TOPMed 0.00004.
gnomAD v4.1: 217 of 1,610,142 alleles (0.013%); highest among the groups gnomAD compares: Non-Finnish European, 0.017%; no homozygotes.

Submissions (2):

Ambry Genetics
Classification: Uncertain significance for Inborn genetic diseases. Last evaluated: 2024-01-04. Review status: criteria provided, single submitter. Criteria: Ambry Variant Classification Scheme 2023. Collection method: clinical testing. Allele origin: germline.

Baylor Genetics
Classification: Uncertain significance for Intellectual developmental disorder, autosomal recessive 3. Last evaluated: 2018-05-15. Review status: criteria provided, single submitter. Criteria: ACMG Guidelines, 2015. Collection method: clinical testing. Allele origin: unknown. Affected: yes.
Comment: This variant was determined to be of uncertain significance according to ACMG Guidelines, 2015 [PMID:25741868].

NM_017721.5(CC2D1A):c.1442C>T (p.Ala481Val)

Gene: CC2D1A (coiled-coil and C2 domain containing 1A; plus strand). Cytogenetic location: 19p13.12.
Variant type: single nucleotide variant.
Coding change: c.1442C>T on transcript NM_017721.5 (MANE Select); coding-DNA position 1442, C replaced by T.
Protein change: p.Ala481Val; replaces alanine 481 with valine.
Molecular consequence: missense variant.
Genome position (GRCh38, 1-based): chr19:13,920,642, C>T. VCF-style: chr19-13920642-C-T. GRCh37 (hg19) VCF-style: chr19-14031455-C-T.
Other names: short protein forms A481V.
Identifiers: ClinVar variation 1031992 (VCV001031992.2), dbSNP rs201665162, ClinGen allele CA9244670.